The following is an entry in ClinVar:

ClinVar aggregate classification (germline): Uncertain significance. Review status: criteria provided, single submitter (1 of 4 stars). 3 submissions from 2 submitters: Uncertain significance (1). 2 of the submissions do not count toward it. Last evaluated 2026-09-08.

Conditions:
Fabry disease. Also called: ALPHA-GALACTOSIDASE A DEFICIENCY; ANDERSON-FABRY DISEASE; CERAMIDE TRIHEXOSIDASE DEFICIENCY; Fabry's disease; Angiokeratoma corporis diffusum; Ceramide trihexosidosis. Identifiers: Orphanet 324, MedGen C0002986, MONDO:0010526, OMIM 301500, HP:0001071. Disease mechanism: loss of function, Fabry disease is due to inactivating mutations in the X-linked GLA gene resulting in deficiency of the enzyme Alpha Galactosidase-A..
Migalastat response. Also called: 1-Deoxygalactonojirimycin response; Galafold response. Identifiers: MedGen CN233149.

Allele frequency attached by ClinVar (database versions not stated): TOPMed 0.00001.

Submissions (3):

Genomenon, Inc
Classification: Uncertain significance for Fabry disease. Last evaluated: 2026-09-08. Review status: criteria provided, single submitter. Criteria: Genomenon Sequence Variant Interpretation Standards - Updated. Collection method: curation. Allele origin: germline. Affected: yes.
Comment: GLA p.Arg392Ser (c.1176G>T) is a missense variant that changes the amino acid at codon 392 from Arginine to Serine. This variant has been observed in at least one proband with clinical features consistent with Fabry disease (PMID:26415523). Functional or patient cell studies have been reported (PMID:26415523). It is absent or not present at a significant frequency in gnomAD. In conclusion, we classify GLA p.Arg392Ser (c.1176G>T) as a variant of uncertain significance.

Albrecht-Kossel-Institute, Medical University Rostock
Classification: Likely pathogenic for Fabry's disease. Last evaluated: 2014-01-01. Review status: no assertion criteria provided. Collection method: research. Allele origin: inherited. Not counted in ClinVar's aggregate classification.

Albrecht-Kossel-Institute, Medical University Rostock
Classification: drug response for deoxygalactonojirimycin response. Last evaluated: 2014-01-01. Review status: no assertion criteria provided. Collection method: research. Allele origin: inherited. Not counted in ClinVar's aggregate classification.

Literature cited by the submitters: PubMed 26415523 (cited by Genomenon, Inc and Albrecht-Kossel-Institute, Medical University Rostock).

NM_000169.3(GLA):c.1176G>T (p.Arg392Ser)

Genes: GLA (galactosidase alpha; minus strand), RPL36A-HNRNPH2 (RPL36A-HNRNPH2 readthrough; plus strand). Cytogenetic location: Xq22.1.
Variant type: single nucleotide variant.
Coding change: c.1176G>T on transcript NM_000169.3 (MANE Select); coding-DNA position 1176, G replaced by T.
Protein change: p.Arg392Ser; replaces arginine 392 with serine.
Molecular consequence: missense variant. On other transcripts: non-coding transcript variant (3), intron variant (2).
Genome position (GRCh38, 1-based): chrX:101,397,923, C>A on the plus strand (G>T on the coding strand, the complement: GLA is on the minus strand). VCF-style: chrX-101397923-C-A. GRCh37 (hg19) VCF-style: chrX-100652911-C-A.
Other names: c.1299G>T, p.Arg433Ser (NM_001406747.1); c.300+2466C>A (NM_001199973.2); c.177+6101C>A (NM_001199974.2); short protein forms R392S, R433S.
Identifiers: ClinVar variation 217413 (VCV000217413.3), dbSNP rs869312165, ClinGen allele CA353026.